The following is an entry in ClinVar:

ClinVar aggregate classification (germline): Pathogenic/Likely pathogenic. Review status: criteria provided, multiple submitters, no conflicts (2 of 4 stars). 8 submissions from 8 submitters: Pathogenic (4); Likely pathogenic (3). 1 of the submissions does not count toward it. Last evaluated 2025-11-17.

Conditions:
Hereditary cancer-predisposing syndrome. Also called: Tumor predisposition; Hereditary Cancer Syndrome; Hereditary neoplastic syndrome; Neoplastic Syndromes, Hereditary. Identifiers: Orphanet 140162, MedGen C0027672, MeSH D009386, MONDO:0015356.
Neurodegeneration with ataxia and late-onset optic atrophy. Identifiers: MedGen C5543254, MONDO:0031006, OMIM 619259.
Pheochromocytoma/paraganglioma syndrome 5. Also called: Paragangliomas 5; SDHA-Related Hereditary Paraganglioma-Pheochromocytoma Syndrome. Identifiers: Orphanet 29072, MedGen C3279992, MONDO:0013602, OMIM 614165.
Mitochondrial complex II deficiency, nuclear type 1. Also called: SUCCINATE CoQ REDUCTASE DEFICIENCY. Identifiers: Orphanet 3208, MedGen C5700310, MONDO:0100294, OMIM 252011.

Allele frequency attached by ClinVar (database versions not stated): TOPMed 0.00002.

Submissions (8):

Labcorp Genetics (formerly Invitae), Labcorp
Classification: Pathogenic for Pheochromocytoma/paraganglioma syndrome 5; Mitochondrial complex II deficiency, nuclear type 1. Last evaluated: 2025-11-17. Review status: criteria provided, single submitter. Criteria: Invitae Variant Classification Sherloc (09022015). Collection method: clinical testing. Allele origin: germline.
Comment: This sequence change affects the initiator codon of the SDHA mRNA. This change may impact translation initiation or efficiency. The next in-frame methionine is located at codon 114. This variant is not present in population databases (gnomAD no frequency). Disruption of the initiator codon has been observed in individuals with SDHA-related conditions (PMID: 10746566, 26722403, 28384794). ClinVar contains an entry for this variant (Variation ID: 371794). This variant disrupts the N-terminal part of the SDHA protein, which is important for FAD binding (PMID: 25488574, 15989954, 21858060). While functional studies have not been performed to directly test the effect of this variant on SDHA protein function, this suggests that disruption of this region of the protein is causative of disease. For these reasons, this variant has been classified as Pathogenic.

Center for Genomic Medicine, Rigshospitalet, Copenhagen University Hospital
Classification: Pathogenic. Last evaluated: 2025-03-04. Review status: criteria provided, single submitter. Criteria: ACMG Guidelines, 2015. Collection method: clinical testing. Allele origin: germline.

Women's Health and Genetics/Laboratory Corporation of America, LabCorp
Classification: Likely pathogenic for Neurodegeneration with ataxia and late-onset optic atrophy. Last evaluated: 2025-01-27. Review status: criteria provided, single submitter. Criteria: LabCorp Variant Classification Summary - May 2015. Collection method: clinical testing. Allele origin: germline.
Comment: Variant summary: SDHA c.1A>T (p.Met1Leu) alters the initiation codon and is predicted to result either in absence of the protein or truncation of the encoded protein due to translation initiation at a downstream codon. The next in-frame Methionine is located at codon 114 in exon 4 of the encoded protein sequence. Three of four in-silico tools predict a benign effect of the variant on protein function. The variant was absent in 114846 control chromosomes. c.1A>T has been reported in the literature in at-least one individual affected with Pheochromocytoma/paraganglioma (example: Bausch_2017). A different variant affecting this codon c.1A>C has been classified Pathogenic by our lab. To our knowledge, no experimental evidence demonstrating an impact on protein function has been reported. The following publication has been ascertained in the context of this evaluation (PMID: 28384794). ClinVar contains an entry for this variant (Variation ID: 371794). Based on the evidence outlined above, the variant was classified as likely pathogenic.

Institute for Genomic Medicine (IGM) Clinical Laboratory, Nationwide Children's Hospital
Classification: Likely pathogenic for Pheochromocytoma/paraganglioma syndrome 5. Last evaluated: 2024-11-19. Review status: criteria provided, single submitter. Criteria: ACMG Guidelines, 2015. Collection method: clinical testing. Allele origin: germline.
Comment: This variant is predicted to result in loss of function through nonsense-mediated decay of the encoded transcript or premature truncation of the encoded protein in a gene in which loss of function is a known mechanism of disease (ACMG/AMP: PVS1_Moderate; PMIDs:10746566, 26722403, 28384794, 32971818). A different nucleotide change resulting in the same amino acid substitution has been reported as pathogenic (ACMG/AMP: PS1). This variant has been reported at an elevated frequency in affected individuals/in multiple affected individuals in the literature (ACMG/AMP: PS4_Supporting; PMID:28384794). This variant is absent from or present at an exceedingly low frequency in gnomAD, a large-scale control population database (ACMG/AMP: PM2).

Ambry Genetics
Classification: Pathogenic for Hereditary cancer-predisposing syndrome. Last evaluated: 2024-10-26. Review status: criteria provided, single submitter. Criteria: Ambry Variant Classification Scheme 2023. Collection method: clinical testing. Allele origin: germline.
Comment: The p.M1? pathogenic mutation (also known as c.1A>T) is located in coding exon 1 of the SDHA gene and results from a A to T substitution at nucleotide position 1. This alters the methionine residue at the initiation codon (ATG). In addition, two different alterations that also affect the initiation codon, c.1A>G and c.1A>C (p.M1?) have been reported in individuals with paraganglioma (Snezhkina AV et al. Int J Mol Sci 2020 Sep;21(18); Bausch B. et al. JAMA Oncol 2017 Sep;3(9):1204-1212). The c.1A>C alteration has also been reported in an individual with Leigh syndrome who also carried a functionally deleterious SDHA alteration in trans (Parfait B et al. Hum. Genet. 2000 Feb;106:236-43). In addition to the clinical data presented in the literature, sequence variations that modify the initiation codon are expected to result in either loss of translation initiation, N-terminal truncation, or cause a shift in the mRNA reading frame. Based on the supporting evidence, this alteration is interpreted as a disease-causing mutation.

Myriad Genetics, Inc.
Classification: Pathogenic for Pheochromocytoma/paraganglioma syndrome 5. Last evaluated: 2023-03-31. Review status: criteria provided, single submitter. Criteria: Myriad Autosomal Dominant, Autosomal Recessive and X-Linked Classification Criteria (2023). Collection method: clinical testing. Allele origin: unknown.
Comment: This variant is considered pathogenic. This variant is located within the gene translation start codon (p.Met1?) and is predicted to result in abnormal protein translation. This variant has been reported in multiple individuals with clinical features of gene-specific disease [PMID: 28384794, 35014173, 10746566, 32971818].

Institute for Clinical Genetics, University Hospital TU Dresden, University Hospital TU Dresden
Classification: Likely pathogenic. Last evaluated: 2021-11-03. Review status: criteria provided, single submitter. Criteria: ACMG Guidelines, 2015. Collection method: clinical testing. Allele origin: germline.

Counsyl
Classification: Likely pathogenic for Pheochromocytoma/paraganglioma syndrome 5. Last evaluated: 2015-11-25. Review status: no assertion criteria provided. Collection method: clinical testing. Allele origin: unknown. Not counted in ClinVar's aggregate classification.

Literature cited by the submitters: PubMed 10746566 (cited by 6 submitters); PubMed 26722403 (cited by 3 submitters); PubMed 28384794 (cited by 6 submitters); PubMed 25488574 (cited by Labcorp Genetics (formerly Invitae), Labcorp); PubMed 15989954 (cited by Labcorp Genetics (formerly Invitae), Labcorp); PubMed 21858060 (cited by Labcorp Genetics (formerly Invitae), Labcorp); PubMed 31413764 (cited by Center for Genomic Medicine, Rigshospitalet, Copenhagen University Hospital and Ambry Genetics); PubMed 32971818 (cited by 4 submitters); PubMed 30068732 (cited by Ambry Genetics); PubMed 35014173 (cited by Myriad Genetics, Inc.).

NM_004168.4(SDHA):c.1A>T (p.Met1Leu)

Gene: SDHA (succinate dehydrogenase complex flavoprotein subunit A; plus strand). Cytogenetic location: 5p15.33.
Variant type: single nucleotide variant.
Coding change: c.1A>T on transcript NM_004168.4 (MANE Select); coding-DNA position 1, A replaced by T.
Protein change: p.Met1Leu; changes the start codon (methionine 1).
Molecular consequence: missense variant, initiator codon variant.
Genome position (GRCh38, 1-based): chr5:218,356, A>T. VCF-style: chr5-218356-A-T. GRCh37 (hg19) VCF-style: chr5-218471-A-T.
Other names: c.1A>T, p.Met1Leu (NM_001294332.2, NM_001330758.2); short protein forms M1L.
Identifiers: ClinVar variation 371794 (VCV000371794.26), dbSNP rs1061517, ClinGen allele CA16042099.
Genomic context (GRCh38, chr5:218,356, plus strand): 5'-GTGGTGCGCAGGCGCAGTCTGCGCAGGGACTGGCGGGACTGCGCGGCGGCAACAGCAGAC[A>T]TGTCGGGGGTCCGGGGCCTGTCGCGGCTGCTGAGCGCTCGGCGCCTGGCGCTGGCCAAGG-3'
Protein context (NP_004159.2, residues 1-11): [Met1Leu]SGVRGLSRLL